The following is an entry in ClinVar:

NM_001365902.3(NFIX):c.290G>A (p.Gly97Asp)

Gene: NFIX (nuclear factor I X; plus strand). Cytogenetic location: 19p13.13.
Variant type: single nucleotide variant.
Coding change: c.290G>A on transcript NM_001365902.3 (MANE Select); coding-DNA position 290, G replaced by A.
Protein change: p.Gly97Asp; replaces glycine 97 with aspartic acid.
Molecular consequence: missense variant.
Genome position (GRCh38, 1-based): chr19:13,025,283, G>A. VCF-style: chr19-13025283-G-A. GRCh37 (hg19) VCF-style: chr19-13136097-G-A.
Other names: c.314G>A, p.Gly105Asp (NM_001271043.2); c.266G>A, p.Gly89Asp (NM_001271044.3, NM_001378404.1, NM_001440616.1 and 1 more transcripts); c.290G>A, p.Gly97Asp (NM_001365982.2, NM_002501.4); c.149G>A, p.Gly50Asp (NM_001365983.2); c.287G>A, p.Gly96Asp (NM_001365984.2, NM_001365985.2); c.338G>A, p.Gly113Asp (NM_001378405.1); short protein forms G50D, G113D, G96D, G89D, G105D, G97D.
Identifiers: ClinVar variation 4782953 (VCV004782953.1).

ClinVar aggregate classification (germline): Uncertain significance (1 of 4 stars; one submission).

Conditions:
Malan overgrowth syndrome (MALNS). Also called: NFIX-Related Malan Syndrome; MALAN SYNDROME; Sotos syndrome 2. Identifiers: Orphanet 420179, MedGen C3553660, MONDO:0013885, OMIM 614753.
Marshall-Smith syndrome (MRSHSS). Identifiers: Orphanet 561, MedGen C0265211, MONDO:0011244, OMIM 602535.

gnomAD v4.1: 3 of 1,613,962 alleles (0.00019%); highest among the groups gnomAD compares: Non-Finnish European, 0.00025%; no homozygotes.

Submission:

Labcorp Genetics (formerly Invitae), Labcorp
Classification: Uncertain significance for Malan overgrowth syndrome; Marshall-Smith syndrome. Last evaluated: 2025-05-14. Review status: criteria provided, single submitter. Criteria: Invitae Variant Classification Sherloc (09022015). Collection method: clinical testing. Allele origin: germline.
Comment: This sequence change replaces glycine, which is neutral and non-polar, with aspartic acid, which is acidic and polar, at codon 105 of the NFIX protein (p.Gly105Asp). This variant is not present in population databases (gnomAD no frequency). This variant has not been reported in the literature in individuals affected with NFIX-related conditions. Experimental studies and prediction algorithms are not available or were not evaluated, and the functional significance of this variant is currently unknown. In summary, the available evidence is currently insufficient to determine the role of this variant in disease. Therefore, it has been classified as a Variant of Uncertain Significance.